The following is an entry in ClinVar:

NM_007294.4(BRCA1):c.5332G>C (p.Asp1778His)

Gene: BRCA1 (BRCA1 DNA repair associated; minus strand). Cytogenetic location: 17q21.31.
Variant type: single nucleotide variant.
Coding change: c.5332G>C on transcript NM_007294.4 (MANE Select); coding-DNA position 5332, G replaced by C.
Protein change: p.Asp1778His; replaces aspartic acid 1778 with histidine.
Molecular consequence: missense variant. On other transcripts: non-coding transcript variant (1).
Genome position (GRCh38, 1-based): chr17:43,051,063, C>G on the plus strand (G>C on the coding strand, the complement: BRCA1 is on the minus strand). VCF-style: chr17-43051063-C-G. GRCh37 (hg19) VCF-style: chr17-41203080-C-G.
Other names: c.5326G>C, p.Asp1776His (NM_001407627.1, NM_001407628.1, NM_001407629.1 and 13 more transcripts); c.5332G>C, p.Asp1778His (NM_001407603.1, NM_001407605.1, NM_001407593.1 and 5 more transcripts); c.5329G>C, p.Asp1777His (NM_001407610.1, NM_001407611.1, NM_001407612.1 and 14 more transcripts); c.5317G>C, p.Asp1773His (NM_001407647.1); c.5275G>C, p.Asp1759His (NM_001407648.1); c.5272G>C, p.Asp1758His (NM_001407649.1); c.5254G>C, p.Asp1752His (NM_001407652.1, NM_001407653.1, NM_001407654.1 and 1 more transcripts); c.5251G>C, p.Asp1751His (NM_001407656.1, NM_001407657.1, NM_001407658.1); and 82 more; short protein forms D1778H, D1799H, D674H, G674R, D1731H, D1481H, D1708H, D1711H.
Identifiers: ClinVar variation 55531 (VCV000055531.14), dbSNP rs80357112, ClinGen allele CA003492.
Genomic context (GRCh38, chr17:43,051,063, plus strand): 5'-TACTCCACTATGTAAGACAAAGGCTGGTGCTGGAACTCTGGGGTTCTCCCAGGCTCTTAC[C>G]TGTGGGCATGTTGGTGAAGGGCCCATAGCAACAGATTTCTAGCCCCCTGAAGATCTGGAA-3'
Protein context (NP_009225.1, residues 1768-1788): CYGPFTNMPT[Asp1778His]QLEWMVQLCG

ClinVar aggregate classification (germline): Conflicting classifications of pathogenicity. Review status: criteria provided, conflicting classifications (1 of 4 stars). 4 submissions from 4 submitters: Likely pathogenic (1); Uncertain significance (2). 1 of the submissions does not count toward it. Last evaluated 2026-03-05.

Conditions:
Breast-ovarian cancer, familial, susceptibility to, 1 (BROVCA1). Also called: BRCA1 Hereditary Breast and Ovarian Cancer; OVARIAN CANCER, SUSCEPTIBILITY TO. Identifiers: Orphanet 145, MedGen C2676676, MONDO:0011450, OMIM 604370. Disease mechanism: loss of function.
Familial cancer of breast. Also called: hereditary breast carcinoma; BREAST CANCER, FAMILIAL; Hereditary breast cancer. Identifiers: Orphanet 227535, MedGen C0346153, MONDO:0016419, OMIM 114480. Disease mechanism: loss of function.
Hereditary breast ovarian cancer syndrome. Also called: BRCA1- and BRCA2-Associated Hereditary Breast and Ovarian Cancer; Hereditary breast and ovarian cancer syndrome; Hereditary breast and ovarian cancer syndrome (HBOC); Breast and ovarian cancer; Hereditary breast and/or ovarian cancer syndrome; Hereditary breast and ovarian cancer. Identifiers: Orphanet 145, MedGen C0677776, MeSH D061325, MONDO:0003582. Disease mechanism: loss of function.

Submissions (4):

Myriad Genetics, Inc.
Classification: Likely pathogenic for Breast-ovarian cancer, familial, susceptibility to, 1. Last evaluated: 2026-03-05. Review status: criteria provided, single submitter. Criteria: Myriad Autosomal Dominant, Autosomal Recessive and X-Linked Classification Criteria (2023). Collection method: clinical testing. Allele origin: unknown.
Comment: This variant is considered likely pathogenic. mRNA analysis has demonstrated abnormal mRNA splicing occurs [Myriad internal data]. This variant has shown to segregate with cancer in one or more families [Myriad internal data]. This variant is strongly associated with more severe personal and family histories of cancer, typical for individuals with pathogenic variants in this gene [PMID: 25085752].

Labcorp Genetics (formerly Invitae), Labcorp
Classification: Uncertain significance for Hereditary breast ovarian cancer syndrome. Last evaluated: 2024-03-15. Review status: criteria provided, single submitter. Criteria: Invitae Variant Classification Sherloc (09022015). Collection method: clinical testing. Allele origin: germline.
Comment: This sequence change replaces aspartic acid, which is acidic and polar, with histidine, which is basic and polar, at codon 1778 of the BRCA1 protein (p.Asp1778His). This variant also falls at the last nucleotide of exon 20, which is part of the consensus splice site for this exon. This variant is not present in population databases (gnomAD no frequency). This missense change has been observed in individual(s) with breast cancer (PMID: 9440731). ClinVar contains an entry for this variant (Variation ID: 55531). An algorithm developed to predict the effect of missense changes on protein structure and function (PolyPhen-2) suggests that this variant is likely to be disruptive. Variants that disrupt the consensus splice site are a relatively common cause of aberrant splicing (PMID: 17576681, 9536098). Algorithms developed to predict the effect of sequence changes on RNA splicing suggest that this variant may disrupt the consensus splice site. In summary, the available evidence is currently insufficient to determine the role of this variant in disease. Therefore, it has been classified as a Variant of Uncertain Significance.

Quest Diagnostics Nichols Institute San Juan Capistrano
Classification: Uncertain significance. Last evaluated: 2019-01-11. Review status: criteria provided, single submitter. Criteria: Quest Diagnostics criteria. Collection method: clinical testing. Allele origin: germline.

ClinVar Staff, National Center for Biotechnology Information (NCBI)
No classification provided. Condition: Familial cancer of breast. Review status: no classification provided. Collection method: literature only. Allele origin: germline. Affected: yes. Not counted in ClinVar's aggregate classification.

Literature cited by the submitters: PubMed 25085752 (cited by Myriad Genetics, Inc.); PubMed 9440731 (cited by 3 submitters); PubMed 17576681 (cited by Labcorp Genetics (formerly Invitae), Labcorp); PubMed 9536098 (cited by Labcorp Genetics (formerly Invitae), Labcorp); PubMed 15172985 (cited by Quest Diagnostics Nichols Institute San Juan Capistrano).